The following is an entry in ClinVar:

NM_024757.5(EHMT1):c.556A>G (p.Thr186Ala)

Gene: EHMT1 (euchromatic histone lysine methyltransferase 1; plus strand). Cytogenetic location: 9q34.3.
Variant type: single nucleotide variant.
Coding change: c.556A>G on transcript NM_024757.5 (MANE Select); coding-DNA position 556, A replaced by G.
Protein change: p.Thr186Ala; replaces threonine 186 with alanine.
Molecular consequence: missense variant.
Genome position (GRCh38, 1-based): chr9:137,717,096, A>G. VCF-style: chr9-137717096-A-G. GRCh37 (hg19) VCF-style: chr9-140611548-A-G.
Other names: c.556A>G, p.Thr186Ala (NM_001145527.2, NM_001354263.2, NM_001354611.2); c.463A>G, p.Thr155Ala (NM_001354259.2, NM_001354612.2); short protein forms T186A, T155A.
Identifiers: ClinVar variation 2860392 (VCV002860392.3), dbSNP rs775356902, ClinGen allele CA5374344.

ClinVar aggregate classification (germline): Uncertain significance (1 of 4 stars; one submission).

Conditions:
Kleefstra syndrome 1 (KLEFS1). Identifiers: Orphanet 261494, MedGen C0795833, MONDO:0027407, OMIM 610253.

Allele frequency attached by ClinVar (database versions not stated): ExAC 0.00002.
gnomAD v4.1: 3 of 1,612,302 alleles (0.00019%); highest among the groups gnomAD compares: Non-Finnish European, 0.00025%; no homozygotes.

Submission:

Labcorp Genetics (formerly Invitae), Labcorp
Classification: Uncertain significance for Kleefstra syndrome 1. Last evaluated: 2023-04-28. Review status: criteria provided, single submitter. Criteria: Invitae Variant Classification Sherloc (09022015). Collection method: clinical testing. Allele origin: germline.
Comment: This sequence change replaces threonine, which is neutral and polar, with alanine, which is neutral and non-polar, at codon 186 of the EHMT1 protein (p.Thr186Ala). This variant is present in population databases (rs775356902, gnomAD 0.002%). This variant has not been reported in the literature in individuals affected with EHMT1-related conditions. Algorithms developed to predict the effect of missense changes on protein structure and function output the following: SIFT: "Not Available"; PolyPhen-2: "Benign"; Align-GVGD: "Not Available". The alanine amino acid residue is found in multiple mammalian species, which suggests that this missense change does not adversely affect protein function. In summary, the available evidence is currently insufficient to determine the role of this variant in disease. Therefore, it has been classified as a Variant of Uncertain Significance.